The following is an entry in ClinVar:

NM_052844.4(DYNC2I2):c.937G>A (p.Ala313Thr)

Genes: DYNC2I2 (dynein 2 intermediate chain 2; minus strand), LOC126860772 (CDK7 strongly-dependent group 2 enhancer GRCh37_chr9:131396972-131398171; plus strand). Cytogenetic location: 9q34.11.
Variant type: single nucleotide variant.
Coding change: c.937G>A on transcript NM_052844.4 (MANE Select); coding-DNA position 937, G replaced by A.
Protein change: p.Ala313Thr; replaces alanine 313 with threonine.
Molecular consequence: missense variant.
Genome position (GRCh38, 1-based): chr9:128,635,136, C>T on the plus strand (G>A on the coding strand, the complement: DYNC2I2 is on the minus strand). VCF-style: chr9-128635136-C-T. GRCh37 (hg19) VCF-style: chr9-131397415-C-T.
Other names: short protein forms A313T.
Identifiers: ClinVar variation 2196544 (VCV002196544.2), dbSNP rs769390690, ClinGen allele CA5266411.

ClinVar aggregate classification (germline): Uncertain significance (1 of 4 stars; one submission).

Conditions:
Short-rib thoracic dysplasia 11 with or without polydactyly (SRTD11). Also called: SHORT-RIB THORACIC DYSPLASIA 11 WITHOUT POLYDACTYLY. Identifiers: Orphanet 474, Orphanet 93271, MedGen C3810200, MONDO:0014287, OMIM 615633.

Allele frequency attached by ClinVar (database versions not stated): ExAC 0.00001; gnomAD exomes 0.00003.

Submission:

Labcorp Genetics (formerly Invitae), Labcorp
Classification: Uncertain significance for Short-rib thoracic dysplasia 11 with or without polydactyly. Last evaluated: 2023-12-09. Review status: criteria provided, single submitter. Criteria: Invitae Variant Classification Sherloc (09022015). Collection method: clinical testing. Allele origin: germline.
Comment: This sequence change replaces alanine, which is neutral and non-polar, with threonine, which is neutral and polar, at codon 313 of the WDR34 protein (p.Ala313Thr). This variant is present in population databases (rs769390690, gnomAD 0.006%). This variant has not been reported in the literature in individuals affected with WDR34-related conditions. ClinVar contains an entry for this variant (Variation ID: 2196544). An algorithm developed to predict the effect of missense changes on protein structure and function (PolyPhen-2) suggests that this variant¬†is likely to be tolerated. In summary, the available evidence is currently insufficient to determine the role of this variant in disease. Therefore, it has been classified as a Variant of Uncertain Significance.